The following is an entry in ClinVar:

ClinVar aggregate classification (germline): Conflicting classifications of pathogenicity. Review status: criteria provided, conflicting classifications (1 of 4 stars). 2 submissions from 2 submitters: Uncertain significance (1); Likely benign (1). Last evaluated 2026-06-02.

Conditions:
Hereditary cancer-predisposing syndrome. Also called: Tumor predisposition; Neoplastic Syndromes, Hereditary; Hereditary Cancer Syndrome; Hereditary neoplastic syndrome. Identifiers: Orphanet 140162, MedGen C0027672, MeSH D009386, MONDO:0015356.
Hereditary diffuse gastric adenocarcinoma (HDGC). Also called: DIFFUSE GASTRIC AND LOBULAR BREAST CANCER SYNDROME. Identifiers: Orphanet 26106, MedGen C1708349, MONDO:0007648, OMIM 137215.

Submissions (2):

Ambry Genetics
Classification: Likely benign for Hereditary cancer-predisposing syndrome. Last evaluated: 2026-06-02. Review status: criteria provided, single submitter. Criteria: Ambry Variant Classification Scheme 2023. Collection method: clinical testing. Allele origin: germline.

Labcorp Genetics (formerly Invitae), Labcorp
Classification: Uncertain significance for Hereditary diffuse gastric adenocarcinoma. Last evaluated: 2021-05-02. Review status: criteria provided, single submitter. Criteria: Invitae Variant Classification Sherloc (09022015). Collection method: clinical testing. Allele origin: germline.
Comment: In summary, the available evidence is currently insufficient to determine the role of this variant in disease. Therefore, it has been classified as a Variant of Uncertain Significance. Algorithms developed to predict the effect of missense changes on protein structure and function output the following: SIFT: "Tolerated"; PolyPhen-2: "Benign"; Align-GVGD: "Class C0". The phenylalanine amino acid residue is found in multiple mammalian species, suggesting that this missense change does not adversely affect protein function. These predictions have not been confirmed by published functional studies and their clinical significance is uncertain. This variant has been observed in individual(s) with breast cancer (PMID: 30287823). The frequency data for this variant in the population databases is considered unreliable, as metrics indicate insufficient coverage at this position in the ExAC database. This sequence change replaces leucine with phenylalanine at codon 8 of the CDH1 protein (p.Leu8Phe). The leucine residue is weakly conserved and there is a small physicochemical difference between leucine and phenylalanine.

Literature cited by the submitters: PubMed 30287823 (cited by Labcorp Genetics (formerly Invitae), Labcorp).

NM_004360.5(CDH1):c.22C>T (p.Leu8Phe)

Gene: CDH1 (cadherin 1; plus strand). Cytogenetic location: 16q22.1.
Variant type: single nucleotide variant.
Coding change: c.22C>T on transcript NM_004360.5 (MANE Select); coding-DNA position 22, C replaced by T.
Protein change: p.Leu8Phe; replaces leucine 8 with phenylalanine.
Molecular consequence: missense variant. On other transcripts: 5 prime UTR variant (2).
Genome position (GRCh38, 1-based): chr16:68,737,437, C>T. VCF-style: chr16-68737437-C-T. GRCh37 (hg19) VCF-style: chr16-68771340-C-T.
Other names: c.22C>T, p.Leu8Phe (NM_001317184.2); c.-1594C>T (NM_001317185.2); c.-1798C>T (NM_001317186.2); short protein forms L8F.
Identifiers: ClinVar variation 1410393 (VCV001410393.11), dbSNP rs1234138761, ClinGen allele CA396451317.